The following is an entry in ClinVar:

ClinVar aggregate classification (germline): Uncertain significance (1 of 4 stars; one submission).

Conditions:
Cardiovascular phenotype. Identifiers: MedGen CN230736.

Submission:

Molecular Diagnostic Laboratory for Inherited Cardiovascular Disease, Montreal Heart Institute
Classification: Uncertain significance for Cardiovascular phenotype. Last evaluated: 2026-03-27. Review status: criteria provided, single submitter. Criteria: ACMG Guidelines, 2015. Collection method: clinical testing. Allele origin: germline. Affected: yes.
Comment: PVS1_mod, PM2

NM_000257.4(MYH7):c.3329_3336+6del

Gene: MYH7 (myosin heavy chain 7; minus strand). Cytogenetic location: 14q11.2.
Variant type: Deletion.
Coding change: c.3329_3336+6del on transcript NM_000257.4 (MANE Select); coding-DNA position 3329 through 6 bases into the intron after coding-DNA position 3336, 14 bases deleted (AGCTTCAGGTGAGG).
Molecular consequence: splice donor variant.
Genome position (GRCh38, 1-based): chr14:23,420,952-23,420,965, CCTCACCTGAAGCT deleted on the plus strand (AGCTTCAGGTGAGG on the coding strand, the reverse complement: MYH7 is on the minus strand); deleting any 14 consecutive bases within chr14:23,420,952-23,420,968 gives the same sequence; the c. name uses the placement nearest the transcript's 3' end. VCF-style (leftmost placement, unchanged base first): chr14-23420951-ACCTCACCTGAAGCT-A. GRCh37 (hg19) VCF-style: chr14-23890160-ACCTCACCTGAAGCT-A.
Other names: c.3329_3336+6del (NM_001407004.1).
Identifiers: ClinVar variation 4820408 (VCV004820408.1).